The following is an entry in ClinVar:

NM_003737.4(DCHS1):c.707G>A (p.Arg236Lys)

Gene: DCHS1 (dachsous cadherin-related 1; minus strand). Cytogenetic location: 11p15.4.
Variant type: single nucleotide variant.
Coding change: c.707G>A on transcript NM_003737.4 (MANE Select); coding-DNA position 707, G replaced by A.
Protein change: p.Arg236Lys; replaces arginine 236 with lysine.
Molecular consequence: missense variant.
Genome position (GRCh38, 1-based): chr11:6,640,907, C>T on the plus strand (G>A on the coding strand, the complement: DCHS1 is on the minus strand). VCF-style: chr11-6640907-C-T. GRCh37 (hg19) VCF-style: chr11-6662138-C-T.
Other names: short protein forms R236K.
Identifiers: ClinVar variation 3608663 (VCV003608663.2).

ClinVar aggregate classification (germline): Uncertain significance (1 of 4 stars; one submission).

gnomAD v4.1: 1 of 1,614,026 alleles (0.000062%); highest among the groups gnomAD compares: Non-Finnish European, 0.000085%; no homozygotes.

Submission:

Labcorp Genetics (formerly Invitae), Labcorp
Classification: Uncertain significance. Last evaluated: 2024-10-29. Review status: criteria provided, single submitter. Criteria: Invitae Variant Classification Sherloc (09022015). Collection method: clinical testing. Allele origin: germline.
Comment: This sequence change replaces arginine, which is basic and polar, with lysine, which is basic and polar, at codon 236 of the DCHS1 protein (p.Arg236Lys). This variant is not present in population databases (gnomAD no frequency). This variant has not been reported in the literature in individuals affected with DCHS1-related conditions. Invitae Evidence Modeling of protein sequence and biophysical properties (such as structural, functional, and spatial information, amino acid conservation, physicochemical variation, residue mobility, and thermodynamic stability) indicates that this missense variant is not expected to disrupt DCHS1 protein function with a negative predictive value of 95%. In summary, the available evidence is currently insufficient to determine the role of this variant in disease. Therefore, it has been classified as a Variant of Uncertain Significance.